The following is an entry in ClinVar:

ClinVar aggregate classification (germline): Uncertain significance (1 of 4 stars; one submission).

Allele frequency attached by ClinVar (database versions not stated): gnomAD exomes below 0.00001 and 0.00001; TOPMed 0.00001.
gnomAD v4.1: 7 of 1,612,686 alleles (0.00043%); highest among the groups gnomAD compares: Admixed American, 0.0017%; no homozygotes.

Submission:

Labcorp Genetics (formerly Invitae), Labcorp
Classification: Uncertain significance. Last evaluated: 2022-02-05. Review status: criteria provided, single submitter. Criteria: Invitae Variant Classification Sherloc (09022015). Collection method: clinical testing. Allele origin: germline.
Comment: This sequence change replaces isoleucine, which is neutral and non-polar, with valine, which is neutral and non-polar, at codon 320 of the LARP7 protein (p.Ile320Val). This variant is present in population databases (no rsID available, gnomAD 0.007%). This variant has not been reported in the literature in individuals affected with LARP7-related conditions. Algorithms developed to predict the effect of missense changes on protein structure and function output the following: SIFT: "Tolerated"; PolyPhen-2: "Benign"; Align-GVGD: "Class C0". The valine amino acid residue is found in multiple mammalian species, which suggests that this missense change does not adversely affect protein function. In summary, the available evidence is currently insufficient to determine the role of this variant in disease. Therefore, it has been classified as a Variant of Uncertain Significance.

NM_016648.4(LARP7):c.958A>G (p.Ile320Val)

Genes: LARP7 (La ribonucleoprotein 7, transcriptional regulator; plus strand), MIR302CHG (miR-302/367 cluster host gene; minus strand). Cytogenetic location: 4q25.
Variant type: single nucleotide variant.
Coding change: c.958A>G on transcript NM_016648.4 (MANE Select); coding-DNA position 958, A replaced by G.
Protein change: p.Ile320Val; replaces isoleucine 320 with valine.
Molecular consequence: missense variant.
Genome position (GRCh38, 1-based): chr4:112,647,510, A>G. VCF-style: chr4-112647510-A-G. GRCh37 (hg19) VCF-style: chr4-113568666-A-G.
Other names: c.958A>G, p.Ile320Val (NM_001267039.4, NM_001370974.1, NM_001370975.1 and 2 more transcripts); c.955A>G, p.Ile319Val (NM_001370976.1, NM_001370977.1, NM_001370979.1 and 1 more transcripts); c.721A>G, p.Ile241Val (NM_001370981.1, NM_001370982.1); short protein forms I320V, I241V, I319V.
Identifiers: ClinVar variation 1373470 (VCV001373470.5), dbSNP rs1194886433, ClinGen allele CA357926253.
Genomic context (GRCh38, chr4:112,647,510, plus strand): 5'-TCTGAAGATGCAGAATCCCTAGCTCCCCGATCAAAAGTAAAGAAAATTATTCAGAAAGAC[A>G]TCATTAAGGAAGCATCAGAAGCTTCCAAGGAAAATAGAGGTAAAACTACAAGGTTTTAAT-3'
Protein context (NP_057732.2, residues 310-330): SKVKKIIQKD[Ile320Val]IKEASEASKE